The following is an entry in ClinVar:

NM_001267550.2(TTN):c.82408C>A (p.Pro27470Thr)

Genes: TTN (titin; minus strand), TTN-AS1 (TTN antisense RNA 1; plus strand). Cytogenetic location: 2q31.2.
Variant type: single nucleotide variant.
Coding change: c.82408C>A on transcript NM_001267550.2 (MANE Select); coding-DNA position 82408, C replaced by A.
Protein change: p.Pro27470Thr; replaces proline 27470 with threonine.
Molecular consequence: missense variant.
Genome position (GRCh38, 1-based): chr2:178,563,724, G>T on the plus strand (C>A on the coding strand, the complement: TTN is on the minus strand). VCF-style: chr2-178563724-G-T. GRCh37 (hg19) VCF-style: chr2-179428451-G-T.
Other names: c.77485C>A, p.Pro25829Thr (NM_001256850.1); c.55213C>A, p.Pro18405Thr (NM_003319.4); c.74704C>A, p.Pro24902Thr (NM_133378.4); c.55588C>A, p.Pro18530Thr (NM_133432.3); c.55789C>A, p.Pro18597Thr (NM_133437.4); short protein forms P24902T, P27470T, P18530T, P18405T, P18597T, P25829T.
Identifiers: ClinVar variation 332759 (VCV000332759.7), dbSNP rs886055239, ClinGen allele CA10613238.

ClinVar aggregate classification (germline): Uncertain significance. Review status: criteria provided, multiple submitters, no conflicts (2 of 4 stars). 6 submissions from 2 submitters: Uncertain significance (6). Last evaluated 2020-06-10.

Conditions:
Cardiovascular phenotype. Identifiers: MedGen CN230736.
Early-onset myopathy with fatal cardiomyopathy (CMYO5). Also called: CONGENITAL MYOPATHY 5 WITH CARDIOMYOPATHY; Salih Myopathy. Identifiers: Orphanet 289377, MedGen C2673677, MONDO:0012714, OMIM 611705. Disease mechanism: loss of function.
Myopathy, myofibrillar, 9, with early respiratory failure (MFM9). Also called: Myopathy, distal, with early respiratory failure, autosomal dominant; Hereditary myopathy with early respiratory failure; EDSTROM MYOPATHY; MYOPATHY, PROXIMAL, WITH EARLY RESPIRATORY MUSCLE INVOLVEMENT. Identifiers: Orphanet 178464, Orphanet 34521, MedGen C1863599, MONDO:0011362, OMIM 603689.
Tibial muscular dystrophy (TMD). Also called: Udd Distal Myopathy – Tibial Muscular Dystrophy; UDD MYOPATHY; Tibial muscular dystrophy, tardive. Identifiers: Orphanet 609, MedGen C1838244, MONDO:0010870, OMIM 600334.
Dilated cardiomyopathy 1G (CMD1G). Identifiers: Orphanet 154, MedGen C1858763, MONDO:0011400, OMIM 604145.
Autosomal recessive limb-girdle muscular dystrophy type 2J (LGMDR10). Also called: MUSCULAR DYSTROPHY, LIMB-GIRDLE, AUTOSOMAL RECESSIVE 10; Limb-girdle muscular dystrophy, type 2J. Identifiers: Orphanet 140922, MedGen C1837342, MONDO:0012127, OMIM 608807.

Allele frequency attached by ClinVar (database versions not stated): gnomAD exomes below 0.00001 and 0.00001; gnomAD 0.00001.
gnomAD v4.1: 7 of 1,613,602 alleles (0.00043%); highest among the groups gnomAD compares: Non-Finnish European, 0.00051%; no homozygotes.

Submissions (6):

Ambry Genetics
Classification: Uncertain significance for Cardiovascular phenotype. Last evaluated: 2020-06-10. Review status: criteria provided, single submitter. Criteria: Ambry Variant Classification Scheme 2023. Collection method: clinical testing. Allele origin: germline.
Comment: The p.P18405T variant (also known as c.55213C>A), located in coding exon 153 of the TTN gene, results from a C to A substitution at nucleotide position 55213. The proline at codon 18405 is replaced by threonine, an amino acid with highly similar properties. This amino acid position is highly conserved in available vertebrate species. In addition, the in silico prediction for this alteration is inconclusive. Since supporting evidence is limited at this time, the clinical significance of this alteration remains unclear.

Illumina Laboratory Services, Illumina
Classification: Uncertain significance for Autosomal recessive limb-girdle muscular dystrophy type 2J. Last evaluated: 2018-01-12. Review status: criteria provided, single submitter. Criteria: ICSL Variant Classification Criteria 13 December 2019. Collection method: clinical testing. Allele origin: germline.

Illumina Laboratory Services, Illumina
Classification: Uncertain significance for Early-onset myopathy with fatal cardiomyopathy. Last evaluated: 2018-01-12. Review status: criteria provided, single submitter. Criteria: ICSL Variant Classification Criteria 13 December 2019. Collection method: clinical testing. Allele origin: germline.

Illumina Laboratory Services, Illumina
Classification: Uncertain significance for Myopathy, myofibrillar, 9, with early respiratory failure. Last evaluated: 2018-01-12. Review status: criteria provided, single submitter. Criteria: ICSL Variant Classification Criteria 13 December 2019. Collection method: clinical testing. Allele origin: germline.

Illumina Laboratory Services, Illumina
Classification: Uncertain significance for Tibial muscular dystrophy. Last evaluated: 2018-01-12. Review status: criteria provided, single submitter. Criteria: ICSL Variant Classification Criteria 13 December 2019. Collection method: clinical testing. Allele origin: germline.

Illumina Laboratory Services, Illumina
Classification: Uncertain significance for Dilated cardiomyopathy 1G. Last evaluated: 2018-01-12. Review status: criteria provided, single submitter. Criteria: ICSL Variant Classification Criteria 13 December 2019. Collection method: clinical testing. Allele origin: germline.